The following is an entry in ClinVar:

ClinVar aggregate classification (germline): Likely benign (1 of 4 stars; one submission).

Conditions:
RAI1-related disorder. Also called: RAI1-related condition.

Submission:

PreventionGenetics, part of Exact Sciences
Classification: Likely benign for RAI1-related condition. Last evaluated: 2026-04-03. Review status: criteria provided, single submitter. Criteria: ACMG Guidelines, 2015. Collection method: clinical testing. Allele origin: germline.
Comment: This variant is classified as likely benign based on ACMG/AMP sequence variant interpretation guidelines (Richards et al. 2015 PMID: 25741868, with internal and published modifications).

NM_030665.4(RAI1):c.2865G>C (p.Gly955=)

Gene: RAI1 (retinoic acid induced 1; plus strand). Cytogenetic location: 17p11.2.
Variant type: single nucleotide variant.
Coding change: c.2865G>C on transcript NM_030665.4 (MANE Select); coding-DNA position 2865, G replaced by C.
Protein change: p.Gly955=; no amino-acid change (glycine 955 retained).
Molecular consequence: synonymous variant.
Genome position (GRCh38, 1-based): chr17:17,795,813, G>C. VCF-style: chr17-17795813-G-C. GRCh37 (hg19) VCF-style: chr17-17699127-G-C.
Identifiers: ClinVar variation 4992038 (VCV004992038.1).